The following is an entry in ClinVar:

ClinVar aggregate classification (germline): Uncertain significance. Review status: criteria provided, multiple submitters, no conflicts (2 of 4 stars). 2 submissions from 2 submitters: Uncertain significance (2). Last evaluated 2026-01-06.

Conditions:
Inborn genetic diseases. Identifiers: MedGen C0950123, MeSH D030342.

Allele frequency attached by ClinVar (database versions not stated): TOPMed 0.00002; ExAC 0.00003; gnomAD exomes 0.00003; gnomAD 0.00004.

Submissions (2):

Labcorp Genetics (formerly Invitae), Labcorp
Classification: Uncertain significance. Last evaluated: 2026-01-06. Review status: criteria provided, single submitter. Criteria: Invitae Variant Classification Sherloc (09022015). Collection method: clinical testing. Allele origin: germline.
Comment: This sequence change replaces glutamic acid, which is acidic and polar, with lysine, which is basic and polar, at codon 505 of the TCF3 protein (p.Glu505Lys). This variant is present in population databases (rs769351563, gnomAD 0.006%). This variant has not been reported in the literature in individuals affected with TCF3-related conditions. ClinVar contains an entry for this variant (Variation ID: 1430053). Invitae Evidence Modeling of protein sequence and biophysical properties (such as structural, functional, and spatial information, amino acid conservation, physicochemical variation, residue mobility, and thermodynamic stability) indicates that this missense variant is not expected to disrupt TCF3 protein function with a negative predictive value of 80%. In summary, the available evidence is currently insufficient to determine the role of this variant in disease. Therefore, it has been classified as a Variant of Uncertain Significance.

Ambry Genetics
Classification: Uncertain significance for Inborn genetic diseases. Last evaluated: 2025-12-15. Review status: criteria provided, single submitter. Criteria: Ambry Variant Classification Scheme 2023. Collection method: clinical testing. Allele origin: germline.

NM_003200.5(TCF3):c.1513G>A (p.Glu505Lys)

Gene: TCF3 (transcription factor 3; minus strand). Cytogenetic location: 19p13.3.
Variant type: single nucleotide variant.
Coding change: c.1513G>A on transcript NM_003200.5 (MANE Select); coding-DNA position 1513, G replaced by A.
Protein change: p.Glu505Lys; replaces glutamic acid 505 with lysine.
Molecular consequence: missense variant.
Genome position (GRCh38, 1-based): chr19:1,615,759, C>T on the plus strand (G>A on the coding strand, the complement: TCF3 is on the minus strand). VCF-style: chr19-1615759-C-T. GRCh37 (hg19) VCF-style: chr19-1615758-C-T.
Other names: c.1513G>A, p.Glu505Lys (NM_001136139.4, NM_001351779.2); c.1510G>A, p.Glu504Lys (NM_001351778.2); c.1513G>A (NM_003200.3); short protein forms E505K, E504K.
Identifiers: ClinVar variation 1430053 (VCV001430053.8), dbSNP rs769351563, ClinGen allele CA9049788.